The following is an entry in ClinVar:

NM_003954.5(MAP3K14):c.679C>A (p.His227Asn)

Gene: MAP3K14 (mitogen-activated protein kinase kinase kinase 14; minus strand). Cytogenetic location: 17q21.31.
Variant type: single nucleotide variant.
Coding change: c.679C>A on transcript NM_003954.5 (MANE Select); coding-DNA position 679, C replaced by A.
Protein change: p.His227Asn; replaces histidine 227 with asparagine.
Molecular consequence: missense variant.
Genome position (GRCh38, 1-based): chr17:45,286,904, G>T on the plus strand (C>A on the coding strand, the complement: MAP3K14 is on the minus strand). VCF-style: chr17-45286904-G-T. GRCh37 (hg19) VCF-style: chr17-43364271-G-T.
Other names: short protein forms H227N.
Identifiers: ClinVar variation 4759860 (VCV004759860.1).

ClinVar aggregate classification (germline): Uncertain significance (1 of 4 stars; one submission).

Conditions:
NIK deficiency. Also called: Primary immunodeficiency with multifaceted aberrant lymphoid immunity. Identifiers: Orphanet 447731, MedGen C5680065, MONDO:0018642.

Submission:

Labcorp Genetics (formerly Invitae), Labcorp
Classification: Uncertain significance for NIK deficiency. Last evaluated: 2025-08-25. Review status: criteria provided, single submitter. Criteria: Invitae Variant Classification Sherloc (09022015). Collection method: clinical testing. Allele origin: germline.
Comment: This sequence change replaces histidine, which is basic and polar, with asparagine, which is neutral and polar, at codon 227 of the MAP3K14 protein (p.His227Asn). This variant is not present in population databases (gnomAD no frequency). This variant has not been reported in the literature in individuals affected with MAP3K14-related conditions. Experimental studies and prediction algorithms are not available or were not evaluated, and the functional significance of this variant is currently unknown. In summary, the available evidence is currently insufficient to determine the role of this variant in disease. Therefore, it has been classified as a Variant of Uncertain Significance.